The following is an entry in ClinVar:

ClinVar aggregate classification (germline): Likely benign. Review status: criteria provided, multiple submitters, no conflicts (2 of 4 stars). 5 submissions from 5 submitters: Likely benign (5). Last evaluated 2024-03-13.

Conditions:
Familial thoracic aortic aneurysm and aortic dissection (TAAD). Also called: Thoracic aortic aneurysms and dissections. Identifiers: Orphanet 91387, MedGen C4707243, MONDO:0019625.
Aortic aneurysm, familial thoracic 6 (AAT6). Also called: FAMILIAL THORACIC AORTIC ANEURYSM WITH LIVEDO RETICULARIS AND IRIS FLOCCULI. Identifiers: MedGen C2673186, MONDO:0012730, OMIM 611788.

Allele frequency attached by ClinVar (database versions not stated): gnomAD exomes 0.00001; ExAC 0.00002; gnomAD 0.00002; TOPMed 0.00002; ESP Exome Variant Server 0.00015.
gnomAD v4.1: 23 of 1,613,922 alleles (0.0014%); highest among the groups gnomAD compares: Non-Finnish European, 0.0019%; no homozygotes.

Submissions (5):

Labcorp Genetics (formerly Invitae), Labcorp
Classification: Likely benign for Aortic aneurysm, familial thoracic 6. Last evaluated: 2024-03-13. Review status: criteria provided, single submitter. Criteria: Invitae Variant Classification Sherloc (09022015). Collection method: clinical testing. Allele origin: germline.

All of Us Research Program, National Institutes of Health
Classification: Likely benign for Familial thoracic aortic aneurysm and aortic dissection. Last evaluated: 2023-10-02. Review status: criteria provided, single submitter. Criteria: ACMG Guidelines, 2015. Collection method: clinical testing. Allele origin: germline. Inheritance: Autosomal dominant inheritance. Observed: 4 variant alleles, 4 heterozygotes.
Comment: This study involves interpretation of variants in research participants for the purpose of population health screening. Participant phenotype was not available at the time of variant classification. Additional details can be found in publication PMID: 35346344, PMCID: PMC8962531

Ambry Genetics
Classification: Likely benign for Familial thoracic aortic aneurysm and aortic dissection. Last evaluated: 2022-11-19. Review status: criteria provided, single submitter. Criteria: Ambry Variant Classification Scheme 2023. Collection method: clinical testing. Allele origin: germline.

Blueprint Genetics
Classification: Likely benign. Last evaluated: 2022-07-19. Review status: criteria provided, single submitter. Criteria: ACMG Guidelines, 2015. Collection method: clinical testing. Allele origin: germline.

Color Diagnostics, LLC DBA Color Health
Classification: Likely benign for Familial thoracic aortic aneurysm and aortic dissection. Last evaluated: 2022-06-01. Review status: criteria provided, single submitter. Criteria: ACMG Guidelines, 2015. Collection method: clinical testing. Allele origin: germline.

NM_001613.4(ACTA2):c.951G>A (p.Lys317=)

Genes: ACTA2 (actin alpha 2, smooth muscle; minus strand), ACTA2-AS1 (ACTA2 antisense RNA 1; plus strand). Cytogenetic location: 10q23.31.
Variant type: single nucleotide variant.
Coding change: c.951G>A on transcript NM_001613.4 (MANE Select); coding-DNA position 951, G replaced by A.
Protein change: p.Lys317=; no amino-acid change (lysine 317 retained).
Molecular consequence: synonymous variant.
Genome position (GRCh38, 1-based): chr10:88,938,100, C>T on the plus strand (G>A on the coding strand, the complement: ACTA2 is on the minus strand). VCF-style: chr10-88938100-C-T. GRCh37 (hg19) VCF-style: chr10-90697857-C-T.
Other names: c.951G>A, p.Lys317= (NM_001141945.3, NM_001320855.2, NM_001406462.1 and 2 more transcripts); c.840G>A, p.Lys280= (NM_001406466.1); c.822G>A, p.Lys274= (NM_001406467.1, NM_001406468.1, NM_001406469.1); c.759G>A, p.Lys253= (NM_001406471.1).
Identifiers: ClinVar variation 2059777 (VCV002059777.9), dbSNP rs17409858, ClinGen allele CA030019.
Genomic context (GRCh38, chr10:88,938,100, plus strand): 5'-GGGTCTGTCACTGAACAGTACCTTGATCTTCATGGTGCTGGGTGCTAGGGCCGTGATCTC[C>T]TTCTGCATTCGGTCGGCAATGCCAGGGTACATAGTGGTGCCCCCTGATAGGACATTGTTA-3'
Protein context (NP_001604.1, residues 307-327): MYPGIADRMQ[Lys317=]EITALAPSTM